The following is an entry in ClinVar:

ClinVar aggregate classification (germline): Uncertain significance. Review status: criteria provided, multiple submitters, no conflicts (2 of 4 stars). 2 submissions from 2 submitters: Uncertain significance (2). Last evaluated 2025-08-15.

Conditions:
Hereditary cancer-predisposing syndrome. Also called: Neoplastic Syndromes, Hereditary; Hereditary neoplastic syndrome; Tumor predisposition; Hereditary Cancer Syndrome. Identifiers: Orphanet 140162, MedGen C0027672, MeSH D009386, MONDO:0015356.
Fanconi anemia complementation group J. Also called: BRIP1-Related Fanconi Anemia. Identifiers: Orphanet 84, MedGen C1836860, MONDO:0012187, OMIM 609054.
Familial cancer of breast. Also called: hereditary breast carcinoma; BREAST CANCER, FAMILIAL; Hereditary breast cancer. Identifiers: Orphanet 227535, MedGen C0346153, MONDO:0016419, OMIM 114480. Disease mechanism: loss of function.

Submissions (2):

Ambry Genetics
Classification: Uncertain significance for Hereditary cancer-predisposing syndrome. Last evaluated: 2025-08-15. Review status: criteria provided, single submitter. Criteria: Ambry Variant Classification Scheme 2023. Collection method: clinical testing. Allele origin: germline.
Comment: The p.V779F variant (also known as c.2335G>T), located in coding exon 15 of the BRIP1 gene, results from a G to T substitution at nucleotide position 2335. The valine at codon 779 is replaced by phenylalanine, an amino acid with highly similar properties. This amino acid position is conserved. In addition, this alteration is predicted to be deleterious by in silico analysis. Based on the available evidence, the clinical significance of this variant remains unclear.

Labcorp Genetics (formerly Invitae), Labcorp
Classification: Uncertain significance for Familial cancer of breast; Fanconi anemia complementation group J. Last evaluated: 2024-06-05. Review status: criteria provided, single submitter. Criteria: Invitae Variant Classification Sherloc (09022015). Collection method: clinical testing. Allele origin: germline.
Comment: This sequence change replaces valine, which is neutral and non-polar, with phenylalanine, which is neutral and non-polar, at codon 779 of the BRIP1 protein (p.Val779Phe). This variant is not present in population databases (gnomAD no frequency). This variant has not been reported in the literature in individuals affected with BRIP1-related conditions. ClinVar contains an entry for this variant (Variation ID: 841094). Advanced modeling of protein sequence and biophysical properties (such as structural, functional, and spatial information, amino acid conservation, physicochemical variation, residue mobility, and thermodynamic stability) performed at Invitae indicates that this missense variant is expected to disrupt BRIP1 protein function with a positive predictive value of 80%. In summary, the available evidence is currently insufficient to determine the role of this variant in disease. Therefore, it has been classified as a Variant of Uncertain Significance.

NM_032043.3(BRIP1):c.2335G>T (p.Val779Phe)

Gene: BRIP1 (BRCA1 interacting DNA helicase 1; minus strand). Cytogenetic location: 17q23.2.
Variant type: single nucleotide variant.
Coding change: c.2335G>T on transcript NM_032043.3 (MANE Select); coding-DNA position 2335, G replaced by T.
Protein change: p.Val779Phe; replaces valine 779 with phenylalanine.
Molecular consequence: missense variant.
Genome position (GRCh38, 1-based): chr17:61,743,057, C>A on the plus strand (G>T on the coding strand, the complement: BRIP1 is on the minus strand). VCF-style: chr17-61743057-C-A. GRCh37 (hg19) VCF-style: chr17-59820418-C-A.
Other names: short protein forms V779F.
Identifiers: ClinVar variation 841094 (VCV000841094.11), dbSNP rs1603303802, ClinGen allele CA400482610.